The following is an entry in ClinVar:

ClinVar aggregate classification (germline): Uncertain significance (1 of 4 stars; one submission).

Conditions:
HSD17B3-related disorder. Also called: HSD17B3-related condition.

Submission:

PreventionGenetics, part of Exact Sciences
Classification: Uncertain significance for HSD17B3-related condition. Last evaluated: 2026-06-18. Review status: criteria provided, single submitter. Criteria: ACMG Guidelines, 2015. Collection method: clinical testing. Allele origin: germline.
Comment: The HSD17B3 c.839T>C variant is predicted to result in the amino acid substitution p.Leu280Pro. This variant has been reported in the compound heterozygous state with an additional HSD17B3 variant in two siblings with 46,XY disorder of sex development (Wu et al. 2021. PubMed ID: 34365626). This variant has not been reported in a large population database (gnomAD), indicating this variant is rare. Although we suspect that this variant may be pathogenic, at this time, the clinical significance of this variant is uncertain due to the absence of conclusive functional and genetic evidence.

NM_000197.2(HSD17B3):c.839T>C (p.Leu280Pro)

Genes: HSD17B3 (hydroxysteroid 17-beta dehydrogenase 3; minus strand), SLC35D2-HSD17B3 (SLC35D2-HSD17B3 readthrough; minus strand). Cytogenetic location: 9q22.32.
Variant type: single nucleotide variant.
Coding change: c.839T>C on transcript NM_000197.2 (MANE Select); coding-DNA position 839, T replaced by C.
Protein change: p.Leu280Pro; replaces leucine 280 with proline.
Molecular consequence: missense variant. On other transcripts: non-coding transcript variant (1).
Genome position (GRCh38, 1-based): chr9:96,235,554, A>G on the plus strand (T>C on the coding strand, the complement: HSD17B3 is on the minus strand). VCF-style: chr9-96235554-A-G. GRCh37 (hg19) VCF-style: chr9-98997836-A-G.
Other names: short protein forms L280P.
Identifiers: ClinVar variation 4994501 (VCV004994501.1).